The following is an entry in ClinVar:

ClinVar aggregate classification (germline): Conflicting classifications of pathogenicity. Review status: criteria provided, conflicting classifications (1 of 4 stars). 2 submissions from 2 submitters: Likely pathogenic (1); Uncertain significance (1). Last evaluated 2025-06-17.

Conditions:
Primary familial dilated cardiomyopathy (FDC). Also called: Hypokinetic dilated cardiomyopathy, familial; Familial dilated cardiomyopathy. Identifiers: Orphanet 217607, MedGen C0340427, MONDO:0016333.
Dilated cardiomyopathy 1G (CMD1G). Identifiers: Orphanet 154, MedGen C1858763, MONDO:0011400, OMIM 604145.

Submissions (2):

Women's Health and Genetics/Laboratory Corporation of America, LabCorp
Classification: Likely pathogenic for Primary familial dilated cardiomyopathy. Last evaluated: 2025-06-17. Review status: criteria provided, single submitter. Criteria: LabCorp Variant Classification Summary - May 2015. Collection method: clinical testing. Allele origin: germline.
Comment: Variant summary: TTN c.44811G>A (p.Trp14937X) results in a premature termination codon, predicted to cause a truncation of the encoded protein or absence of the protein due to nonsense mediated decay, which are commonly known mechanisms for disease. Loss of function variants in all TTN bands are strongly associated with a spectrum of autosomal recessive titinopathies when exon expression (proportion spliced in, PSI, 1=complete expression) in skeletal muscle is >0.1 (PMID: 36977548, 39198997, 29598826, 32778822, 29691892, 33449170, 36977548, internal data). In contrast, loss of function variants in all TTN bands are only strongly associated with autosomal dominant TTN-related cardiomyopathies if located in exons constitutively expressed (PSI >0.9) in cardiac muscle, excluding extreme C-terminal exons 359-363 (PMID: 25589632, 31216868, 32964742, 34662387, 27869827, Shetty et al., Nat Cardiovasc Res 2024,, internal data). This variant has a maximum skeletal muscle PSI of 0.968 and a maximum cardiac muscle PSI of 1.000. The variant was absent in 245826 control chromosomes. To our knowledge, no occurrence of c.44811G>A in individuals affected with Dilated Cardiomyopathy and no experimental evidence demonstrating its impact on protein function have been reported. ClinVar contains an entry for this variant (Variation ID: 983050). Based on the evidence outlined above, the variant was classified as likely pathogenic for both autosomal dominant and autosomal recessive TTN-related conditions.

Institute of Human Genetics, University of Leipzig Medical Center
Classification: Uncertain significance for Dilated cardiomyopathy 1G. Last evaluated: 2019-01-01. Review status: criteria provided, single submitter. Criteria: ACMG Guidelines, 2015. Collection method: clinical testing. Allele origin: unknown. Affected: yes.

NM_001267550.2(TTN):c.52515G>A (p.Trp17505Ter)

Genes: TTN (titin; minus strand), TTN-AS1 (TTN antisense RNA 1; plus strand), LOC126806425 (BRD4-independent group 4 enhancer GRCh37_chr2:179471933-179473132; plus strand). Cytogenetic location: 2q31.2.
Variant type: single nucleotide variant.
Coding change: c.52515G>A on transcript NM_001267550.2 (MANE Select); coding-DNA position 52515, G replaced by A.
Protein change: p.Trp17505Ter; replaces tryptophan 17505 with a stop codon.
Molecular consequence: nonsense.
Genome position (GRCh38, 1-based): chr2:178,608,368, C>T on the plus strand (G>A on the coding strand, the complement: TTN is on the minus strand). VCF-style: chr2-178608368-C-T. GRCh37 (hg19) VCF-style: chr2-179473095-C-T.
Other names: c.47592G>A, p.Trp15864Ter (NM_001256850.1); c.25320G>A, p.Trp8440Ter (NM_003319.4); c.44811G>A, p.Trp14937Ter (NM_133378.4); c.25695G>A, p.Trp8565Ter (NM_133432.3); c.25896G>A, p.Trp8632Ter (NM_133437.4); short protein forms W14937*, W15864*, W17505*, W8440*, W8565*, W8632*.
Identifiers: ClinVar variation 983050 (VCV000983050.2), dbSNP rs1160660090, ClinGen allele CA349573255.